The following is an entry in ClinVar:

NM_001034853.2(RPGR):c.2729G>T (p.Gly910Val)

Gene: RPGR (retinitis pigmentosa GTPase regulator; minus strand). Cytogenetic location: Xp11.4.
Variant type: single nucleotide variant.
Coding change: c.2729G>T on transcript NM_001034853.2 (MANE Select); coding-DNA position 2729, G replaced by T.
Protein change: p.Gly910Val; replaces glycine 910 with valine.
Molecular consequence: missense variant. On other transcripts: intron variant (8).
Genome position (GRCh38, 1-based): chrX:38,286,270, C>A on the plus strand (G>T on the coding strand, the complement: RPGR is on the minus strand). VCF-style: chrX-38286270-C-A. GRCh37 (hg19) VCF-style: chrX-38145523-C-A.
Other names: c.1569+4689G>T (NM_001367249.1, NM_001367250.1); c.1902+824G>T (NM_001367245.1); c.1386+4689G>T (NM_001367251.1); c.1719+824G>T (NM_001367246.1); c.1572+4689G>T (NM_001367247.1); c.1905+824G>T (NM_000328.3); c.1602+4689G>T (NM_001367248.1); short protein forms G910V.
Identifiers: ClinVar variation 2145731 (VCV002145731.4), dbSNP rs749762268, ClinGen allele CA412729919.

ClinVar aggregate classification (germline): Uncertain significance (1 of 4 stars; one submission).

Conditions:
Primary ciliary dyskinesia. Also called: Ciliary dyskinesia. Identifiers: Orphanet 244, MedGen C0008780, MONDO:0016575, HP:0012265.

Submission:

Labcorp Genetics (formerly Invitae), Labcorp
Classification: Uncertain significance for Primary ciliary dyskinesia. Last evaluated: 2022-01-18. Review status: criteria provided, single submitter. Criteria: Invitae Variant Classification Sherloc (09022015). Collection method: clinical testing. Allele origin: germline.
Comment: This variant is not present in population databases (gnomAD no frequency). This sequence change replaces glycine, which is neutral and non-polar, with valine, which is neutral and non-polar, at codon 910 of the RPGR (ORF15) protein (p.Gly910Val). This variant has not been reported in the literature in individuals affected with RPGR (ORF15)-related conditions. In summary, the available evidence is currently insufficient to determine the role of this variant in disease. Therefore, it has been classified as a Variant of Uncertain Significance. Experimental studies and prediction algorithms are not available or were not evaluated, and the functional significance of this variant is currently unknown.